The following is an entry in ClinVar:

NM_001034853.2(RPGR):c.504C>T (p.Ser168=)

Gene: RPGR (retinitis pigmentosa GTPase regulator; minus strand). Cytogenetic location: Xp11.4.
Variant type: single nucleotide variant.
Coding change: c.504C>T on transcript NM_001034853.2 (MANE Select); coding-DNA position 504, C replaced by T.
Protein change: p.Ser168=; no amino-acid change (serine 168 retained).
Molecular consequence: synonymous variant. On other transcripts: non-coding transcript variant (6).
Genome position (GRCh38, 1-based): chrX:38,317,431, G>A on the plus strand (C>T on the coding strand, the complement: RPGR is on the minus strand). VCF-style: chrX-38317431-G-A. GRCh37 (hg19) VCF-style: chrX-38176684-G-A.
Other names: NM_001034853.2(RPGR):c.504C>T; p.Ser168=; c.504C>T, p.Ser168= (NM_000328.3, NM_001367245.1, NM_001367246.1 and 3 more transcripts); c.534C>T, p.Ser178= (NM_001367248.1); c.501C>T, p.Ser167= (NM_001367249.1).
Identifiers: ClinVar variation 1745004 (VCV001745004.6), dbSNP rs1462174690, ClinGen allele CA515651665.
Genomic context (GRCh38, chrX:38,317,431, plus strand): 5'-AATGGTCACTTGCTGAGGGACACAGACATTACTTACATTTTTTAAACCAATTTGCCCTTC[G>A]GAATTGTCACCCCACATAAAAAGTCTTCCATCCTCTATAAAGAAAAATAAAAGGGGGAGA-3'
Protein context (NP_001030025.1, residues 158-178): DGRLFMWGDN[Ser168=]EGQIGLKNVS

ClinVar aggregate classification (germline): Likely benign. Review status: reviewed by expert panel (3 of 4 stars). 3 submissions from 3 submitters: Likely benign (1). 2 of the submissions do not count toward it. Last evaluated 2026-11-20.

Conditions:
Primary ciliary dyskinesia. Also called: Ciliary dyskinesia. Identifiers: Orphanet 244, MedGen C0008780, MONDO:0016575, HP:0012265.
RPGR-related retinopathy. Also called: RPGR retinopathy. Identifiers: MedGen CN305589, MONDO:0100437.

Allele frequency attached by ClinVar (database versions not stated): gnomAD exomes 0.00001; gnomAD 0.00002; TOPMed 0.00002.
gnomAD v4.1: 9 of 1,207,656 alleles (0.00075%); highest among the groups gnomAD compares: Middle Eastern, 0.023%; no homozygotes.

Submissions (3):

ClinGen X-linked Inherited Retinal Disease Variant Curation Expert Panel, ClinGen
Classification: Likely benign for RPGR-related retinopathy. Last evaluated: 2026-11-20. Review status: reviewed by expert panel. Criteria: ClinGen X LinkedIRD ACMG Specifications RPGR V1.0.0. Collection method: curation. Allele origin: germline. Inheritance: X-linked inheritance.
Comment: NM_001034853.2(RPGR):c.504C>T (p.Ser168=) is a synonymous variant at amino acid 168. This variant is present in gnomAD v.4.1.2 at a frequency of 0.0000101 among hemizygous individuals, with 4 variant alleles / 395442 total hemizygous alleles, which is higher than the ClinGen X-linked IRD VCEP BS1 threshold of > 0.000005 (BS1). The splicing impact predictor SpliceAI gives a delta score of 0.12 for donor loss, which is above the ClinGenX-linked IRD VCEP recommended threshold of 0.1 to 0.2 and does not predict a damaging impact on splicing. This silent variant might have an impact at splicing sites according to Splice AI, which predicts a delta score of 0.12 for donor loss, which is above the ClinGen X-linked IRD VCEP recommended threshold of <0.1 and might predict an impact on splicing. In summary, this variant is classified as likely benign for RPGR-related retinopathy based on the ClinGen X-linked Inherited Retinal Disease Expert Panel Specifications to the ACMG/AMP Variant Interpretation Guidelines for RPGR, Version 1.0.0, using the following evidence codes: BS1.

Labcorp Genetics (formerly Invitae), Labcorp
Classification: Likely benign for Primary ciliary dyskinesia. Last evaluated: 2024-05-05. Review status: criteria provided, single submitter. Criteria: Invitae Variant Classification Sherloc (09022015). Collection method: clinical testing. Allele origin: germline. Not counted in ClinVar's aggregate classification.

Ambry Genetics
Classification: Likely benign for Primary ciliary dyskinesia. Last evaluated: 2020-12-30. Review status: criteria provided, single submitter. Criteria: Ambry Variant Classification Scheme 2023. Collection method: clinical testing. Allele origin: germline. Not counted in ClinVar's aggregate classification.